The following is an entry in ClinVar:

NM_001972.4(ELANE):c.755A>G (p.Asn252Ser)

Gene: ELANE (elastase, neutrophil expressed; plus strand). Cytogenetic location: 19p13.3.
Variant type: single nucleotide variant.
Coding change: c.755A>G on transcript NM_001972.4 (MANE Select); coding-DNA position 755, A replaced by G.
Protein change: p.Asn252Ser; replaces asparagine 252 with serine.
Molecular consequence: missense variant.
Genome position (GRCh38, 1-based): chr19:856,115, A>G. VCF-style: chr19-856115-A-G. GRCh37 (hg19) VCF-style: chr19-856115-A-G.
Other names: short protein forms N252S.
Identifiers: ClinVar variation 4248090 (VCV004248090.1).
Genomic context (GRCh38, chr19:856,115, plus strand): 5'-TTGCCCCGGTGGCACAGTTTGTAAACTGGATCGACTCTATCATCCAACGCTCCGAGGACA[A>G]CCCCTGTCCCCACCCCCGGGACCCGGACCCGGCCAGCAGGACCCACTGAGAAGGGCTGCC-3'
Protein context (NP_001963.1, residues 242-262): IDSIIQRSED[Asn252Ser]PCPHPRDPDP

ClinVar aggregate classification (germline): Uncertain significance (1 of 4 stars; one submission).

Conditions:
Inborn genetic diseases. Identifiers: MedGen C0950123, MeSH D030342.

Submission:

Ambry Genetics
Classification: Uncertain significance for Inborn genetic diseases. Last evaluated: 2025-08-22. Review status: criteria provided, single submitter. Criteria: Ambry Variant Classification Scheme 2023. Collection method: clinical testing. Allele origin: germline.
Comment: The p.N252S variant (also known as c.755A>G), located in coding exon 5 of the ELANE gene, results from an A to G substitution at nucleotide position 755. The asparagine at codon 252 is replaced by serine, an amino acid with highly similar properties. This amino acid position is conserved. In addition, this alteration is predicted to be tolerated by in silico analysis. Based on the available evidence, the clinical significance of this variant remains unclear.